The following is an entry in ClinVar:

NM_001605.3(AARS1):c.913A>C (p.Ile305Leu)

Gene: AARS1 (alanyl-tRNA synthetase 1; minus strand). Cytogenetic location: 16q22.1.
Variant type: single nucleotide variant.
Coding change: c.913A>C on transcript NM_001605.3 (MANE Select); coding-DNA position 913, A replaced by C.
Protein change: p.Ile305Leu; replaces isoleucine 305 with leucine.
Molecular consequence: missense variant.
Genome position (GRCh38, 1-based): chr16:70,269,667, T>G on the plus strand (A>C on the coding strand, the complement: AARS1 is on the minus strand). VCF-style: chr16-70269667-T-G. GRCh37 (hg19) VCF-style: chr16-70303570-T-G.
Other names: short protein forms I305L.
Identifiers: ClinVar variation 2201532 (VCV002201532.4), dbSNP rs2507016699, ClinGen allele CA396564576.

ClinVar aggregate classification (germline): Uncertain significance (1 of 4 stars; one submission).

Conditions:
Charcot-Marie-Tooth disease type 2. Also called: Charcot-Marie-Tooth type 2. Identifiers: Orphanet 64746, MedGen C0270914, MONDO:0018993.

Submission:

Labcorp Genetics (formerly Invitae), Labcorp
Classification: Uncertain significance for Charcot-Marie-Tooth disease type 2. Last evaluated: 2022-09-07. Review status: criteria provided, single submitter. Criteria: Invitae Variant Classification Sherloc (09022015). Collection method: clinical testing. Allele origin: germline.
Comment: In summary, the available evidence is currently insufficient to determine the role of this variant in disease. Therefore, it has been classified as a Variant of Uncertain Significance. Algorithms developed to predict the effect of missense changes on protein structure and function (SIFT, PolyPhen-2, Align-GVGD) all suggest that this variant is likely to be tolerated. This variant has not been reported in the literature in individuals affected with AARS-related conditions. This variant is not present in population databases (gnomAD no frequency). This sequence change replaces isoleucine, which is neutral and non-polar, with leucine, which is neutral and non-polar, at codon 305 of the AARS protein (p.Ile305Leu).